The following is an entry in ClinVar:

ClinVar aggregate classification (germline): Uncertain significance (1 of 4 stars; one submission).

Conditions:
RASopathy. Also called: Noonan spectrum disorder; rasopathies. Identifiers: Orphanet 536391, MedGen C5555857, MONDO:0021060.

Submission:

Labcorp Genetics (formerly Invitae), Labcorp
Classification: Uncertain significance for RASopathy. Last evaluated: 2024-03-15. Review status: criteria provided, single submitter. Criteria: Invitae Variant Classification Sherloc (09022015). Collection method: clinical testing. Allele origin: germline.
Comment: This sequence change replaces glutamine, which is neutral and polar, with arginine, which is basic and polar, at codon 359 of the SOS1 protein (p.Gln359Arg). This variant is not present in population databases (gnomAD no frequency). This variant has not been reported in the literature in individuals affected with SOS1-related conditions. An algorithm developed to predict the effect of missense changes on protein structure and function (PolyPhen-2) suggests that this variant is likely to be disruptive. In summary, the available evidence is currently insufficient to determine the role of this variant in disease. Therefore, it has been classified as a Variant of Uncertain Significance.

NM_005633.4(SOS1):c.1076A>G (p.Gln359Arg)

Gene: SOS1 (SOS Ras/Rac guanine nucleotide exchange factor 1; minus strand). Cytogenetic location: 2p22.1.
Variant type: single nucleotide variant.
Coding change: c.1076A>G on transcript NM_005633.4 (MANE Select); coding-DNA position 1076, A replaced by G.
Protein change: p.Gln359Arg; replaces glutamine 359 with arginine.
Molecular consequence: missense variant.
Genome position (GRCh38, 1-based): chr2:39,024,136, T>C on the plus strand (A>G on the coding strand, the complement: SOS1 is on the minus strand). VCF-style: chr2-39024136-T-C. GRCh37 (hg19) VCF-style: chr2-39251277-T-C.
Other names: c.1055A>G, p.Gln352Arg (NM_001382394.1); c.1076A>G, p.Gln359Arg (NM_001382395.1); short protein forms Q352R, Q359R.
Identifiers: ClinVar variation 3645880 (VCV003645880.2).
Genomic context (GRCh38, chr2:39,024,136, plus strand): 5'-GCTGTTATTGCTTGTTTTAAACATTCCTTGTCTTCTTGATCTTCACTTTTTTCTTCTAAC[T>C]GCTGTAAAGCCAAAATGACAAATCTGAACCAGTAGTACATTTTTGGATAAAATAATAATA-3'
Protein context (NP_005624.2, residues 349-369): HCLHYFELLK[Gln359Arg]LEEKSEDQED